The following is an entry in ClinVar:

ClinVar aggregate classification (germline): Uncertain significance (1 of 4 stars; one submission).

Conditions:
Holocarboxylase synthetase deficiency. Also called: MULTIPLE CARBOXYLASE DEFICIENCY, EARLY ONSET. Identifiers: Orphanet 79242, MedGen C0268581, MONDO:0009666, OMIM 253270.

Allele frequency attached by ClinVar (database versions not stated): gnomAD exomes below 0.00001; TOPMed below 0.00001; ExAC 0.00001.
gnomAD v4.1: 2 of 1,614,238 alleles (0.00012%); highest among the groups gnomAD compares: Non-Finnish European, 0.00017%; no homozygotes.

Submission:

Labcorp Genetics (formerly Invitae), Labcorp
Classification: Uncertain significance for Holocarboxylase synthetase deficiency. Last evaluated: 2024-10-16. Review status: criteria provided, single submitter. Criteria: Invitae Variant Classification Sherloc (09022015). Collection method: clinical testing. Allele origin: germline.
Comment: This sequence change replaces glutamic acid, which is acidic and polar, with lysine, which is basic and polar, at codon 279 of the HLCS protein (p.Glu279Lys). This variant is present in population databases (rs751093392, gnomAD 0.003%). This variant has not been reported in the literature in individuals affected with HLCS-related conditions. ClinVar contains an entry for this variant (Variation ID: 2188061). Invitae Evidence Modeling of protein sequence and biophysical properties (such as structural, functional, and spatial information, amino acid conservation, physicochemical variation, residue mobility, and thermodynamic stability) indicates that this missense variant is not expected to disrupt HLCS protein function with a negative predictive value of 95%. In summary, the available evidence is currently insufficient to determine the role of this variant in disease. Therefore, it has been classified as a Variant of Uncertain Significance.

NM_001352514.2(HLCS):c.1276G>A (p.Glu426Lys)

Gene: HLCS (holocarboxylase synthetase; minus strand). Cytogenetic location: 21q22.13.
Variant type: single nucleotide variant.
Coding change: c.1276G>A on transcript NM_001352514.2 (MANE Select); coding-DNA position 1276, G replaced by A.
Protein change: p.Glu426Lys; replaces glutamic acid 426 with lysine.
Molecular consequence: missense variant. On other transcripts: non-coding transcript variant (2).
Genome position (GRCh38, 1-based): chr21:36,936,610, C>T on the plus strand (G>A on the coding strand, the complement: HLCS is on the minus strand). VCF-style: chr21-36936610-C-T. GRCh37 (hg19) VCF-style: chr21-38308910-C-T.
Other names: c.835G>A, p.Glu279Lys (NM_000411.8, NM_001242784.3, NM_001242785.2 and 4 more transcripts); short protein forms E279K, E426K.
Identifiers: ClinVar variation 2188061 (VCV002188061.4), dbSNP rs751093392, ClinGen allele CA10020607.